The following is an entry in ClinVar:

ClinVar aggregate classification (germline): Uncertain significance (1 of 4 stars; one submission).

Conditions:
USH2A-related disorder. Also called: USH2A-related disorders; USH2A-related condition. Identifiers: MedGen CN239332.

Submission:

Myriad Genetics, Inc.
Classification: Uncertain significance for USH2A-related disorder. Last evaluated: 2025-08-07. Review status: criteria provided, single submitter. Criteria: Myriad Autosomal Dominant, Autosomal Recessive and X-Linked Classification Criteria (2023). Collection method: clinical testing. Allele origin: unknown.
Comment: NM_206933.2(USH2A):c.4021G>C(A1341P) is a missense variant classified as a variant of uncertain significance in the context of USH2A-related disorders. A1341P has been observed in cases with relevant disease (PMID: 36110214, 32100970). Relevant functional assessments of this variant are not available in the literature. A1341P has not been observed in referenced population frequency databases. In summary, there is insufficient evidence to classify NM_206933.2(USH2A):c.4021G>C(A1341P) as pathogenic or benign. Please note: this variant was assessed in the context of healthy population screening.

Literature cited by the submitters: PubMed 32100970; PubMed 36110214.

NM_206933.4(USH2A):c.4021G>C (p.Ala1341Pro)

Genes: USH2A (usherin; minus strand), USH2A-AS1 (USH2A antisense RNA 1; plus strand). Cytogenetic location: 1q41.
Variant type: single nucleotide variant.
Coding change: c.4021G>C on transcript NM_206933.4 (MANE Select); coding-DNA position 4021, G replaced by C.
Protein change: p.Ala1341Pro; replaces alanine 1341 with proline.
Molecular consequence: missense variant.
Genome position (GRCh38, 1-based): chr1:216,198,375, C>G on the plus strand (G>C on the coding strand, the complement: USH2A is on the minus strand). VCF-style: chr1-216198375-C-G. GRCh37 (hg19) VCF-style: chr1-216371717-C-G.
Other names: c.4021G>C, p.Ala1341Pro (NM_007123.6); short protein forms A1341P.
Identifiers: ClinVar variation 5003810 (VCV005003810.1).
Genomic context (GRCh38, chr1:216,198,375, plus strand): 5'-CTGATTCTCCCGTTCTTTCTGAGACCCAGGCAGAAGACACACTTCCAGCCATATTCACAG[C>G]TAAGACTCTGAACTCATACTTGGTGTATGGCTCCAAGCCAGTGATGGTTGTCATTGTTTG-3'
Protein context (NP_996816.3, residues 1331-1351): PYTKYEFRVL[Ala1341Pro]VNMAGSVSSA